The following is an entry in ClinVar:

ClinVar aggregate classification (germline): Uncertain significance (0 of 4 stars; one submission).

Conditions:
DYNC2H1-related disorder. Also called: DYNC2H1-related condition; DYNC2H1-related disorders. Identifiers: MedGen CN378770.

Submission:

PreventionGenetics, part of Exact Sciences
Classification: Uncertain significance for DYNC2H1-related condition. Last evaluated: 2024-09-16. Review status: no assertion criteria provided. Collection method: clinical testing. Allele origin: germline.
Comment: The DYNC2H1 c.1651T>A variant is predicted to result in the amino acid substitution p.Ser551Thr. To our knowledge, this variant has not been reported in the literature or in a large population database, indicating this variant is rare. At this time, the clinical significance of this variant is uncertain due to the absence of conclusive functional and genetic evidence.

NM_001377.3(DYNC2H1):c.1651T>A (p.Ser551Thr)

Gene: DYNC2H1 (dynein cytoplasmic 2 heavy chain 1; plus strand). Cytogenetic location: 11q22.3.
Variant type: single nucleotide variant.
Coding change: c.1651T>A on transcript NM_001377.3 (MANE Select); coding-DNA position 1651, T replaced by A.
Protein change: p.Ser551Thr; replaces serine 551 with threonine.
Molecular consequence: missense variant.
Genome position (GRCh38, 1-based): chr11:103,122,990, T>A. VCF-style: chr11-103122990-T-A. GRCh37 (hg19) VCF-style: chr11-102993719-T-A.
Other names: c.1651T>A, p.Ser551Thr (NM_001080463.2); short protein forms S551T.
Identifiers: ClinVar variation 3347675 (VCV003347675.1).
Genomic context (GRCh38, chr11:103,122,990, plus strand): 5'-GAACAGGAACAATTTGATGATTGGTCCAGGGATATTCAATCAGGTTTATCTGATTCCAGA[T>A]CTGGTTTGTGGTAAGTATAGATATATTAAACTGTAAAATCCAAAACCATATGTTATTAAT-3'
Protein context (NP_001368.2, residues 541-561): DIQSGLSDSR[Ser551Thr]GLCIEASSRI